The following is an entry in ClinVar:

NM_015102.5(NPHP4):c.242C>T (p.Pro81Leu)

Gene: NPHP4 (nephrocystin 4; minus strand). Cytogenetic location: 1p36.31.
Variant type: single nucleotide variant.
Coding change: c.242C>T on transcript NM_015102.5 (MANE Select); coding-DNA position 242, C replaced by T.
Protein change: p.Pro81Leu; replaces proline 81 with leucine.
Molecular consequence: missense variant. On other transcripts: 5 prime UTR variant (1), non-coding transcript variant (1), intron variant (1).
Genome position (GRCh38, 1-based): chr1:5,978,307, G>A on the plus strand (C>T on the coding strand, the complement: NPHP4 is on the minus strand). VCF-style: chr1-5978307-G-A. GRCh37 (hg19) VCF-style: chr1-6038367-G-A.
Other names: c.-988C>T (NM_001291593.2); c.-1087-9048C>T (NM_001291594.2); c.242C>T (NM_015102.3); short protein forms P81L.
Identifiers: ClinVar variation 1375586 (VCV001375586.4), dbSNP rs375278331, ClinGen allele CA554900.
Genomic context (GRCh38, chr1:5,978,307, plus strand): 5'-CTGCCACCATCACCAGGGCCCACCTCATTAAAGACGATCCTGGACGGCGGTCTCTTCGTC[G>A]GCTTCACTGTGGTTTTCCACGTCCTCCCAAAGAAGTGCCGGTAGGTGACATCAAAGAAAG-3'
Protein context (NP_055917.1, residues 71-91): FGRTWKTTVK[Pro81Leu]TKRPPSRIVF

ClinVar aggregate classification (germline): Uncertain significance. Review status: criteria provided, multiple submitters, no conflicts (2 of 4 stars). 2 submissions from 2 submitters: Uncertain significance (2). Last evaluated 2022-10-17.

Conditions:
Inborn genetic diseases. Identifiers: MedGen C0950123, MeSH D030342.
Nephronophthisis. Also called: Juvenile Nephronophthisis. Identifiers: Orphanet 655, MedGen C0687120, MONDO:0019005, HP:0000090.

Allele frequency attached by ClinVar (database versions not stated): TOPMed 0.00003; ESP Exome Variant Server 0.00008.
gnomAD v4.1: 49 of 1,608,984 alleles (0.003%); highest among the groups gnomAD compares: Middle Eastern, 0.016%; no homozygotes.

Submissions (2):

Labcorp Genetics (formerly Invitae), Labcorp
Classification: Uncertain significance for Nephronophthisis. Last evaluated: 2022-10-17. Review status: criteria provided, single submitter. Criteria: Invitae Variant Classification Sherloc (09022015). Collection method: clinical testing. Allele origin: germline.
Comment: This sequence change replaces proline, which is neutral and non-polar, with leucine, which is neutral and non-polar, at codon 81 of the NPHP4 protein (p.Pro81Leu). This variant is present in population databases (rs375278331, gnomAD 0.009%). This variant has not been reported in the literature in individuals affected with NPHP4-related conditions. ClinVar contains an entry for this variant (Variation ID: 1375586). Advanced modeling of protein sequence and biophysical properties (such as structural, functional, and spatial information, amino acid conservation, physicochemical variation, residue mobility, and thermodynamic stability) performed at Invitae indicates that this missense variant is expected to disrupt NPHP4 protein function. In summary, the available evidence is currently insufficient to determine the role of this variant in disease. Therefore, it has been classified as a Variant of Uncertain Significance.

Ambry Genetics
Classification: Uncertain significance for Inborn genetic diseases. Last evaluated: 2021-10-26. Review status: criteria provided, single submitter. Criteria: Ambry Variant Classification Scheme 2023. Collection method: clinical testing. Allele origin: germline.